The following is an entry in ClinVar:

NM_201596.3(CACNB2):c.1196C>A (p.Ser399Tyr)

Gene: CACNB2 (calcium voltage-gated channel auxiliary subunit beta 2; plus strand). Cytogenetic location: 10p12.31.
Variant type: single nucleotide variant.
Coding change: c.1196C>A on transcript NM_201596.3 (MANE Select); coding-DNA position 1196, C replaced by A.
Protein change: p.Ser399Tyr; replaces serine 399 with tyrosine.
Molecular consequence: missense variant.
Genome position (GRCh38, 1-based): chr10:18,534,217, C>A. VCF-style: chr10-18534217-C-A. GRCh37 (hg19) VCF-style: chr10-18823146-C-A.
Other names: c.1031C>A, p.Ser344Tyr (NM_000724.4); c.998C>A, p.Ser333Tyr (NM_001167945.2); c.917C>A, p.Ser306Tyr (NM_001330060.2); c.938C>A, p.Ser313Tyr (NM_001410882.1); c.1052C>A, p.Ser351Tyr (NM_201570.3); c.1112C>A, p.Ser371Tyr (NM_201571.4); c.1040C>A, p.Ser347Tyr (NM_201572.4); c.1034C>A, p.Ser345Tyr (NM_201590.3); and 2 more; short protein forms S313Y, S345Y, S399Y, S306Y, S347Y, S375Y, S344Y, S351Y.
Identifiers: ClinVar variation 3484172 (VCV003484172.1).

ClinVar aggregate classification (germline): Uncertain significance (1 of 4 stars; one submission).

Conditions:
Cardiovascular phenotype. Identifiers: MedGen CN230736.

gnomAD v4.1: 3 of 1,613,052 alleles (0.00019%); highest among the groups gnomAD compares: Non-Finnish European, 0.000085%; no homozygotes.

Submission:

Ambry Genetics
Classification: Uncertain significance for Cardiovascular phenotype. Last evaluated: 2024-11-05. Review status: criteria provided, single submitter. Criteria: Ambry Variant Classification Scheme 2023. Collection method: clinical testing. Allele origin: germline.
Comment: The p.S345Y variant (also known as c.1034C>A), located in coding exon 10 of the CACNB2 gene, results from a C to A substitution at nucleotide position 1034. The serine at codon 345 is replaced by tyrosine, an amino acid with dissimilar properties. This amino acid position is conserved. In addition, this alteration is predicted to be tolerated by in silico analysis. Based on the available evidence, the clinical significance of this variant remains unclear.